The following is an entry in ClinVar:

NM_133433.4(NIPBL):c.4593T>A (p.Tyr1531Ter)

Gene: NIPBL (NIPBL cohesin loading factor; plus strand). Cytogenetic location: 5p13.2.
Variant type: single nucleotide variant.
Coding change: c.4593T>A on transcript NM_133433.4 (MANE Select); coding-DNA position 4593, T replaced by A.
Protein change: p.Tyr1531Ter; replaces tyrosine 1531 with a stop codon.
Molecular consequence: nonsense.
Genome position (GRCh38, 1-based): chr5:37,014,715, T>A. VCF-style: chr5-37014715-T-A. GRCh37 (hg19) VCF-style: chr5-37014817-T-A.
Other names: c.4593T>A, p.Tyr1531Ter (NM_015384.5); short protein forms Y1531*.
Identifiers: ClinVar variation 1458983 (VCV001458983.8), dbSNP rs587783952, ClinGen allele CA359480832.

ClinVar aggregate classification (germline): Pathogenic (1 of 4 stars; one submission).

Conditions:
Cornelia de Lange syndrome 1 (CDLS1). Also called: Brachmann de Lange syndrome; NIPBL-Related Cornelia de Lange Syndrome; TYPUS DEGENERATIVUS AMSTELODAMENSIS. Identifiers: Orphanet 199, MedGen C4551851, MONDO:0007387, OMIM 122470.

Submission:

Labcorp Genetics (formerly Invitae), Labcorp
Classification: Pathogenic for Cornelia de Lange syndrome 1. Last evaluated: 2021-03-26. Review status: criteria provided, single submitter. Criteria: Invitae Variant Classification Sherloc (09022015). Collection method: clinical testing. Allele origin: germline.
Comment: This sequence change creates a premature translational stop signal (p.Tyr1531*) in the NIPBL gene. It is expected to result in an absent or disrupted protein product. Loss-of-function variants in NIPBL are known to be pathogenic (PMID: 15318302, 19763162, 23505322, 29995837). This variant is not present in population databases (ExAC no frequency). This variant has been observed in individual(s) with Cornelia de Lange syndrome (PMID: 17106445). Algorithms developed to predict the effect of sequence changes on RNA splicing suggest that this variant may create or strengthen a splice site, but this prediction has not been confirmed by published transcriptional studies. For these reasons, this variant has been classified as Pathogenic.

Literature cited by the submitters: PubMed 15318302; PubMed 19763162; PubMed 23505322; PubMed 29995837; PubMed 17106445.